The following is an entry in ClinVar:

ClinVar aggregate classification (germline): Uncertain significance (1 of 4 stars; one submission).

Submission:

Labcorp Genetics (formerly Invitae), Labcorp
Classification: Uncertain significance. Last evaluated: 2021-07-05. Review status: criteria provided, single submitter. Criteria: Invitae Variant Classification Sherloc (09022015). Collection method: clinical testing. Allele origin: germline.
Comment: This variant is not present in population databases (ExAC no frequency). This variant has not been reported in the literature in individuals affected with GPR179-related conditions. In summary, the available evidence is currently insufficient to determine the role of this variant in disease. Therefore, it has been classified as a Variant of Uncertain Significance. Algorithms developed to predict the effect of missense changes on protein structure and function are either unavailable or do not agree on the potential impact of this missense change (SIFT: "Tolerated"; PolyPhen-2: "Probably Damaging"; Align-GVGD: "Class C0"). This sequence change replaces glycine with aspartic acid at codon 503 of the GPR179 protein (p.Gly503Asp). The glycine residue is moderately conserved and there is a moderate physicochemical difference between glycine and aspartic acid.

NM_001004334.4(GPR179):c.1508G>A (p.Gly503Asp)

Gene: GPR179 (G protein-coupled receptor 179; minus strand). Cytogenetic location: 17q12.
Variant type: single nucleotide variant.
Coding change: c.1508G>A on transcript NM_001004334.4 (MANE Select); coding-DNA position 1508, G replaced by A.
Protein change: p.Gly503Asp; replaces glycine 503 with aspartic acid.
Molecular consequence: missense variant.
Genome position (GRCh38, 1-based): chr17:38,335,170, C>T on the plus strand (G>A on the coding strand, the complement: GPR179 is on the minus strand). VCF-style: chr17-38335170-C-T. GRCh37 (hg19) VCF-style: chr17-36491053-C-T.
Other names: short protein forms G503D.
Identifiers: ClinVar variation 1365988 (VCV001365988.8), dbSNP rs1406673222, ClinGen allele CA398886720.